The following is an entry in ClinVar:

NM_003995.4(NPR2):c.1043T>C (p.Leu348Pro)

Gene: NPR2 (natriuretic peptide receptor 2; plus strand). Cytogenetic location: 9p13.3.
Variant type: single nucleotide variant.
Coding change: c.1043T>C on transcript NM_003995.4 (MANE Select); coding-DNA position 1043, T replaced by C.
Protein change: p.Leu348Pro; replaces leucine 348 with proline.
Molecular consequence: missense variant.
Genome position (GRCh38, 1-based): chr9:35,800,077, T>C. VCF-style: chr9-35800077-T-C. GRCh37 (hg19) VCF-style: chr9-35800074-T-C.
Other names: c.1043T>C, p.Leu348Pro (NM_001378923.1); short protein forms L348P.
Identifiers: ClinVar variation 972702 (VCV000972702.3), dbSNP rs1828089061, ClinGen allele CA373369902.
Genomic context (GRCh38, chr9:35,800,077, plus strand): 5'-CCCAGATGAACCTCATCGCTGGCTGCTTCTATGATGGGATCCTGCTATATGCTGAAGTCC[T>C]GAATGAGACAATACAGGAAGGAGGCACCCGGGAGGATGGACTTCGAATTGTGGAAAAGAT-3'
Protein context (NP_003986.2, residues 338-358): YDGILLYAEV[Leu348Pro]NETIQEGGTR

ClinVar aggregate classification (germline): Likely pathogenic (1 of 4 stars; one submission).

Conditions:
Acromesomelic dysplasia 1, Maroteaux type (AMD1). Also called: ST. HELENA DYSPLASIA; ACROMESOMELIC DYSPLASIA 1. Identifiers: Orphanet 40, MedGen C1864356, MONDO:0011275, OMIM 602875.

Submission:

Department of Paediatric Medicine, Post Graduation Institute of Medical Education and Research
Classification: Likely pathogenic for Acromesomelic dysplasia 1, Maroteaux type. Last evaluated: 2020-05-14. Review status: criteria provided, single submitter. Criteria: ACMG Guidelines, 2015. Collection method: clinical testing. Allele origin: inherited. Inheritance: Autosomal recessive inheritance. Affected: yes. Observed: 1 variant allele, 1 homozygote.
Comment: Homozygous missense variation in exon 4 of the NPR2 gene (chr9:g.35800077T>C; Depth: 117x) that results in the amino acid substitution of Proline for Leucine at codon 348 (p.Leu348Pro; ENST00000342694.6) was detected. The p.Leu348Pro variant has not been reported in the 1000 Genomes, ExAC and our internal databases. The in silico predictions of the variant are probably damaging by PolyPhen-2 (HumDiv) and damaging by SIFT and MutationTaster2. The reference codon is conserved across species.